The following is an entry in ClinVar:

ClinVar aggregate classification (germline): Uncertain significance. Review status: criteria provided, multiple submitters, no conflicts (2 of 4 stars). 2 submissions from 2 submitters: Uncertain significance (2). Last evaluated 2022-08-19.

Conditions:
Nephrolithiasis/nephrocalcinosis. Identifiers: MedGen CN580796.
Autosomal dominant hypocalcemia 1 (HYPOC1). Also called: HYPOCALCEMIA, FAMILIAL. Identifiers: MedGen C3715128, MONDO:0011013, OMIM 601198.
Familial hypocalciuric hypercalcemia (FHH). Also called: Familial benign hypercalcemia. Identifiers: Orphanet 405, MedGen C1809471, MONDO:0018458.

Submissions (2):

Labcorp Genetics (formerly Invitae), Labcorp
Classification: Uncertain significance for Familial hypocalciuric hypercalcemia; Autosomal dominant hypocalcemia 1. Last evaluated: 2022-08-19. Review status: criteria provided, single submitter. Criteria: Invitae Variant Classification Sherloc (09022015). Collection method: clinical testing. Allele origin: germline.
Comment: This sequence change replaces arginine, which is basic and polar, with glycine, which is neutral and non-polar, at codon 961 of the CASR protein (p.Arg961Gly). This variant is not present in population databases (gnomAD no frequency). This variant has not been reported in the literature in individuals affected with CASR-related conditions. ClinVar contains an entry for this variant (Variation ID: 835968). Algorithms developed to predict the effect of missense changes on protein structure and function (SIFT, PolyPhen-2, Align-GVGD) all suggest that this variant is likely to be tolerated. In summary, the available evidence is currently insufficient to determine the role of this variant in disease. Therefore, it has been classified as a Variant of Uncertain Significance.

Ambry Genetics
Classification: Uncertain significance for Nephrolithiasis/nephrocalcinosis. Last evaluated: 2021-06-15. Review status: criteria provided, single submitter. Criteria: Ambry Variant Classification Scheme 2023. Collection method: clinical testing. Allele origin: germline.
Comment: The p.R961G variant (also known as c.2881A>G), located in coding exon 6 of the CASR gene, results from an A to G substitution at nucleotide position 2881. The arginine at codon 961 is replaced by glycine, an amino acid with dissimilar properties. This amino acid position is conserved. In addition, this alteration is predicted to be tolerated by in silico analysis. Since supporting evidence is limited at this time, the clinical significance of this alteration remains unclear.

NM_000388.4(CASR):c.2881A>G (p.Arg961Gly)

Gene: CASR (calcium sensing receptor; plus strand). Cytogenetic location: 3q21.1.
Variant type: single nucleotide variant.
Coding change: c.2881A>G on transcript NM_000388.4 (MANE Select); coding-DNA position 2881, A replaced by G.
Protein change: p.Arg961Gly; replaces arginine 961 with glycine.
Molecular consequence: missense variant.
Genome position (GRCh38, 1-based): chr3:122,284,835, A>G. VCF-style: chr3-122284835-A-G. GRCh37 (hg19) VCF-style: chr3-122003682-A-G.
Other names: c.2911A>G, p.Arg971Gly (NM_001178065.2); short protein forms R961G, R971G.
Identifiers: ClinVar variation 835968 (VCV000835968.10), dbSNP rs2074947830, ClinGen allele CA354160971.